The following is an entry in ClinVar:

NM_012418.4(FSCN2):c.607G>A (p.Glu203Lys)

Gene: FSCN2 (fascin actin-bundling protein 2, retinal; plus strand). Cytogenetic location: 17q25.3.
Variant type: single nucleotide variant.
Coding change: c.607G>A on transcript NM_012418.4 (MANE Select); coding-DNA position 607, G replaced by A.
Protein change: p.Glu203Lys; replaces glutamic acid 203 with lysine.
Molecular consequence: missense variant.
Genome position (GRCh38, 1-based): chr17:81,529,138, G>A. VCF-style: chr17-81529138-G-A. GRCh37 (hg19) VCF-style: chr17-79496164-G-A.
Other names: c.607G>A, p.Glu203Lys (NM_001077182.3); short protein forms E203K.
Identifiers: ClinVar variation 1390595 (VCV001390595.6), dbSNP rs2143850624, ClinGen allele CA401471962.

ClinVar aggregate classification (germline): Uncertain significance (1 of 4 stars; one submission).

Submission:

Labcorp Genetics (formerly Invitae), Labcorp
Classification: Uncertain significance. Last evaluated: 2022-10-17. Review status: criteria provided, single submitter. Criteria: Invitae Variant Classification Sherloc (09022015). Collection method: clinical testing. Allele origin: germline.
Comment: This sequence change replaces glutamic acid, which is acidic and polar, with lysine, which is basic and polar, at codon 203 of the FSCN2 protein (p.Glu203Lys). This variant is not present in population databases (gnomAD no frequency). This variant has not been reported in the literature in individuals affected with FSCN2-related conditions. ClinVar contains an entry for this variant (Variation ID: 1390595). Algorithms developed to predict the effect of missense changes on protein structure and function are either unavailable or do not agree on the potential impact of this missense change (SIFT: "Tolerated"; PolyPhen-2: "Possibly Damaging"; Align-GVGD: "Class C0"). In summary, the available evidence is currently insufficient to determine the role of this variant in disease. Therefore, it has been classified as a Variant of Uncertain Significance.